The following is an entry in ClinVar:

ClinVar aggregate classification (germline): Uncertain significance. Review status: criteria provided, multiple submitters, no conflicts (2 of 4 stars). 4 submissions from 4 submitters: Uncertain significance (2). 2 of the submissions do not count toward it. Last evaluated 2024-10-25.

Conditions:
Hereditary cancer-predisposing syndrome. Also called: Tumor predisposition; Hereditary neoplastic syndrome; Neoplastic Syndromes, Hereditary; Hereditary Cancer Syndrome. Identifiers: Orphanet 140162, MedGen C0027672, MeSH D009386, MONDO:0015356.
Hereditary breast ovarian cancer syndrome. Also called: Hereditary breast and ovarian cancer; Hereditary breast and/or ovarian cancer syndrome; Breast and ovarian cancer; Hereditary breast and ovarian cancer syndrome; BRCA1- and BRCA2-Associated Hereditary Breast and Ovarian Cancer; Hereditary breast and ovarian cancer syndrome (HBOC). Identifiers: Orphanet 145, MedGen C0677776, MeSH D061325, MONDO:0003582. Disease mechanism: loss of function.

Allele frequency attached by ClinVar (database versions not stated): gnomAD exomes below 0.00001.
gnomAD v4.1: 1 of 1,614,224 alleles (0.000062%); highest among the groups gnomAD compares: East Asian, 0.0022%; no homozygotes.

Submissions (4):

Ambry Genetics
Classification: Uncertain significance for Hereditary cancer-predisposing syndrome. Last evaluated: 2024-10-25. Review status: criteria provided, single submitter. Criteria: Ambry Variant Classification Scheme 2023. Collection method: clinical testing. Allele origin: germline.
Comment: The p.C2636Y variant (also known as c.7907G>A), located in coding exon 16 of the BRCA2 gene, results from a G to A substitution at nucleotide position 7907. The cysteine at codon 2636 is replaced by tyrosine, an amino acid with highly dissimilar properties. This amino acid position is poorly conserved in available vertebrate species. In addition, the in silico prediction for this alteration is inconclusive. Based on the available evidence, the clinical significance of this variant remains unclear.

Labcorp Genetics (formerly Invitae), Labcorp
Classification: Uncertain significance for Hereditary breast ovarian cancer syndrome. Last evaluated: 2021-09-23. Review status: criteria provided, single submitter. Criteria: Invitae Variant Classification Sherloc (09022015). Collection method: clinical testing. Allele origin: germline.
Comment: This sequence change replaces cysteine with tyrosine at codon 2636 of the BRCA2 protein (p.Cys2636Tyr). The cysteine residue is weakly conserved and there is a large physicochemical difference between cysteine and tyrosine. This variant is not present in population databases (ExAC no frequency). This variant has not been reported in the literature in individuals affected with BRCA2-related conditions. Advanced modeling of protein sequence and biophysical properties (such as structural, functional, and spatial information, amino acid conservation, physicochemical variation, residue mobility, and thermodynamic stability) performed at Invitae indicates that this missense variant is not expected to disrupt BRCA2 protein function. In summary, the available evidence is currently insufficient to determine the role of this variant in disease. Therefore, it has been classified as a Variant of Uncertain Significance.

Clinical Genetics DNA and cytogenetics Diagnostics Lab, Erasmus MC, Erasmus Medical Center
Classification: Likely benign. Review status: no assertion criteria provided. Collection method: clinical testing. Allele origin: germline. Affected: yes. Study: VKGL Data-share Consensus. Not counted in ClinVar's aggregate classification.

Clinical Genetics Laboratory, Department of Pathology, Netherlands Cancer Institute
Classification: Likely benign. Review status: no assertion criteria provided. Collection method: clinical testing. Allele origin: germline. Affected: yes. Study: VKGL Data-share Consensus. Not counted in ClinVar's aggregate classification.

NM_000059.4(BRCA2):c.7907G>A (p.Cys2636Tyr)

Gene: BRCA2 (BRCA2 DNA repair associated; plus strand). Cytogenetic location: 13q13.1.
Variant type: single nucleotide variant.
Coding change: c.7907G>A on transcript NM_000059.4 (MANE Select); coding-DNA position 7907, G replaced by A.
Protein change: p.Cys2636Tyr; replaces cysteine 2636 with tyrosine.
Molecular consequence: missense variant.
Genome position (GRCh38, 1-based): chr13:32,362,624, G>A. VCF-style: chr13-32362624-G-A. GRCh37 (hg19) VCF-style: chr13-32936761-G-A.
Other names: c.7907G>A (NM_000059.3); short protein forms C2636Y.
Identifiers: ClinVar variation 1275838 (VCV001275838.9), dbSNP rs2137577318, ClinGen allele CA387747161.